The following is an entry in ClinVar:

NM_001041.4(SI):c.1376G>A (p.Gly459Glu)

Gene: SI (sucrase-isomaltase; minus strand). Cytogenetic location: 3q26.1.
Variant type: single nucleotide variant.
Coding change: c.1376G>A on transcript NM_001041.4 (MANE Select); coding-DNA position 1376, G replaced by A.
Protein change: p.Gly459Glu; replaces glycine 459 with glutamic acid.
Molecular consequence: missense variant.
Genome position (GRCh38, 1-based): chr3:165,058,985, C>T on the plus strand (G>A on the coding strand, the complement: SI is on the minus strand). VCF-style: chr3-165058985-C-T. GRCh37 (hg19) VCF-style: chr3-164776773-C-T.
Other names: short protein forms G459E.
Identifiers: ClinVar variation 2106635 (VCV002106635.4), dbSNP rs771308047, ClinGen allele CA2691092.
Genomic context (GRCh38, chr3:165,058,985, plus strand): 5'-ATTTGAGCAACATAGTTTTAATAAATATCATATTTTACCTCTCCAATAATTGGTGTACTT[C>T]CATCTGACTCATTTATCCACACATGTTGTGTGTTTCCCCTCTCATAGGTTGCATATGTTG-3'
Protein context (NP_001032.2, residues 449-469): TQHVWINESD[Gly459Glu]STPIIGEVWP

ClinVar aggregate classification (germline): Uncertain significance (1 of 4 stars; one submission).

Allele frequency attached by ClinVar (database versions not stated): TOPMed below 0.00001; ExAC 0.00001; gnomAD exomes 0.00001.
gnomAD v4.1: 3 of 1,611,504 alleles (0.00019%); highest among the groups gnomAD compares: Admixed American, 0.005%; no homozygotes.

Submission:

Labcorp Genetics (formerly Invitae), Labcorp
Classification: Uncertain significance. Last evaluated: 2022-03-04. Review status: criteria provided, single submitter. Criteria: Invitae Variant Classification Sherloc (09022015). Collection method: clinical testing. Allele origin: germline.
Comment: This sequence change replaces glycine, which is neutral and non-polar, with glutamic acid, which is acidic and polar, at codon 459 of the SI protein (p.Gly459Glu). This variant is present in population databases (rs771308047, gnomAD 0.009%). This variant has not been reported in the literature in individuals affected with SI-related conditions. Advanced modeling of protein sequence and biophysical properties (such as structural, functional, and spatial information, amino acid conservation, physicochemical variation, residue mobility, and thermodynamic stability) performed at Invitae indicates that this missense variant is expected to disrupt SI protein function. In summary, the available evidence is currently insufficient to determine the role of this variant in disease. Therefore, it has been classified as a Variant of Uncertain Significance.